The following is an entry in ClinVar:

ClinVar aggregate classification (germline): Likely benign (1 of 4 stars; one submission).

gnomAD v4.1: 2,162 of 1,614,206 alleles (0.13%); highest among the groups gnomAD compares: Non-Finnish European, 0.15%; 2 homozygotes.

Submission:

CeGaT Center for Human Genetics Tuebingen
Classification: Likely benign. Last evaluated: 2026-05-01. Review status: criteria provided, single submitter. Criteria: CeGaT Center For Human Genetics Tuebingen Variant Classification Criteria Version 2. Collection method: clinical testing. Allele origin: germline. Affected: yes. Observed: 5 variant alleles.
Comment: MED12L: BP4, BP7, BS1

NM_001393769.1(MED12L):c.6060C>T (p.Leu2020=)

Gene: MED12L (mediator complex subunit 12L; plus strand). Cytogenetic location: 3q25.1.
Variant type: single nucleotide variant.
Coding change: c.6060C>T on transcript NM_001393769.1 (MANE Select); coding-DNA position 6060, C replaced by T.
Protein change: p.Leu2020=; no amino-acid change (leucine 2020 retained).
Molecular consequence: synonymous variant.
Genome position (GRCh38, 1-based): chr3:151,411,427, C>T. VCF-style: chr3-151411427-C-T. GRCh37 (hg19) VCF-style: chr3-151129215-C-T.
Other names: c.5955C>T, p.Leu1985= (NM_053002.6).
Identifiers: ClinVar variation 3341610 (VCV003341610.16).